The following is an entry in ClinVar:

ClinVar aggregate classification (germline): Likely benign. Review status: criteria provided, multiple submitters, no conflicts (2 of 4 stars). 2 submissions from 2 submitters: Likely benign (2). Last evaluated 2026-01-17.

Allele frequency attached by ClinVar (database versions not stated): 1000 Genomes Project 0.00060; 1000 Genomes Project 30x 0.00062; ESP Exome Variant Server 0.00085; TOPMed 0.00127; gnomAD exomes 0.00146 and 0.00193; gnomAD 0.00151 and 0.00153; ExAC 0.00171.

Submissions (2):

Labcorp Genetics (formerly Invitae), Labcorp
Classification: Likely benign. Last evaluated: 2026-01-17. Review status: criteria provided, single submitter. Criteria: Invitae Variant Classification Sherloc (09022015). Collection method: clinical testing. Allele origin: germline.

CeGaT Center for Human Genetics Tuebingen
Classification: Likely benign. Last evaluated: 2026-01-01. Review status: criteria provided, single submitter. Criteria: CeGaT Center For Human Genetics Tuebingen Variant Classification Criteria Version 2. Collection method: clinical testing. Allele origin: germline. Affected: yes. Observed: 4 variant alleles.
Comment: PLXNA1: BS2

NM_032242.4(PLXNA1):c.4903A>G (p.Ser1635Gly)

Gene: PLXNA1 (plexin A1; plus strand). Cytogenetic location: 3q21.3.
Variant type: single nucleotide variant.
Coding change: c.4903A>G on transcript NM_032242.4 (MANE Select); coding-DNA position 4903, A replaced by G.
Protein change: p.Ser1635Gly; replaces serine 1635 with glycine.
Molecular consequence: missense variant.
Genome position (GRCh38, 1-based): chr3:127,029,906, A>G. VCF-style: chr3-127029906-A-G. GRCh37 (hg19) VCF-style: chr3-126748749-A-G.
Other names: short protein forms S1635G.
Identifiers: ClinVar variation 1672919 (VCV001672919.30), dbSNP rs147504334, ClinGen allele CA2594563.
Genomic context (GRCh38, chr3:127,029,906, plus strand): 5'-CGCGGGCGCTGACAGCCTGGTGCTGCAGAGAGCATGCTGCGCACGGCCAGCAGCCCCGAC[A>G]GCCTGCGCTCGCGCACGCCCATGATCACGCCCGACCTGGAGAGCGGCACCAAGCTGTGGC-3'
Protein context (NP_115618.3, residues 1625-1645): SMLRTASSPD[Ser1635Gly]LRSRTPMITP